The following is an entry in ClinVar:

ClinVar aggregate classification (germline): Pathogenic (1 of 4 stars; one submission).

Submission:

ISCA Site 6
Classification: Pathogenic. Last evaluated: 2011-08-12. Review status: criteria provided, single submitter. Criteria: Kaminsky et al. (Genet Med. 2011). Collection method: clinical testing. Allele origin: unknown. Affected: yes. Observed: 1 variant allele.
Comment: Copy number variation identified through the course of routine clinical cytogenomic testing in postnatal populations. Clinical assertions have been curated as described in Kaminsky et al. 2011.

GRCh38/hg38 15q11.2-13.2(chr15:23319714-30109283)x1

Genes: SNORD115-30 (small nucleolar RNA, C/D box 115-30; plus strand), SNORD115-31 (small nucleolar RNA, C/D box 115-31; plus strand), SNORD115-32 (small nucleolar RNA, C/D box 115-32; plus strand), SNORD115-33 (small nucleolar RNA, C/D box 115-33; plus strand), SNORD115-34 (small nucleolar RNA, C/D box 115-34; plus strand) and 164 more. Cytogenetic location: 15q11.2-13.2.
Variant type: copy number loss.
Change: copy number 1 (one copy instead of two) of chr15:23,319,714-30,109,283 (6.79 Mb, GRCh38 coordinates, 1-based), cytogenetic band 15q11.2-13.2.
Identifiers: ClinVar variation 58581 (VCV000058581.2).